The following is an entry in ClinVar:

ClinVar aggregate classification (germline): Pathogenic. Review status: criteria provided, multiple submitters, no conflicts (2 of 4 stars). 2 submissions from 2 submitters: Pathogenic (2). Last evaluated 2023-03-03.

Conditions:
Hereditary cancer-predisposing syndrome. Also called: Tumor predisposition; Neoplastic Syndromes, Hereditary; Hereditary Cancer Syndrome; Hereditary neoplastic syndrome. Identifiers: Orphanet 140162, MedGen C0027672, MeSH D009386, MONDO:0015356.

Submissions (2):

Ambry Genetics
Classification: Pathogenic for Hereditary cancer-predisposing syndrome. Last evaluated: 2023-03-03. Review status: criteria provided, single submitter. Criteria: Ambry Variant Classification Scheme 2023. Collection method: clinical testing. Allele origin: germline.
Comment: The c.2940dupT pathogenic mutation, located in coding exon 19 of the RAD50 gene, results from a duplication of T at nucleotide position 2940, causing a translational frameshift with a predicted alternate stop codon (p.N981*). This variant is considered to be rare based on population cohorts in the Genome Aggregation Database (gnomAD). This alteration is expected to result in loss of function by premature protein truncation or nonsense-mediated mRNA decay. As such, this alteration is interpreted as a disease-causing mutation.

Labcorp Genetics (formerly Invitae), Labcorp
Classification: Pathogenic for Hereditary cancer-predisposing syndrome. Last evaluated: 2021-10-09. Review status: criteria provided, single submitter. Criteria: Invitae Variant Classification Sherloc (09022015). Collection method: clinical testing. Allele origin: germline.
Comment: For these reasons, this variant has been classified as Pathogenic. This variant has not been reported in the literature in individuals affected with RAD50-related conditions. This variant is not present in population databases (ExAC no frequency). This sequence change creates a premature translational stop signal (p.Asn981*) in the RAD50 gene. It is expected to result in an absent or disrupted protein product. Loss-of-function variants in RAD50 are known to be pathogenic (PMID: 19409520).

Literature cited by the submitters: PubMed 19409520 (cited by Labcorp Genetics (formerly Invitae), Labcorp).

NM_005732.4(RAD50):c.2940dup (p.Asn981Ter)

Gene: RAD50 (RAD50 double strand break repair protein; plus strand). Cytogenetic location: 5q31.1.
Variant type: Duplication.
Coding change: c.2940dup on transcript NM_005732.4 (MANE Select); coding-DNA position 2940, one base duplicated (T; older notation c.2940dupT).
Protein change: p.Asn981Ter; replaces asparagine 981 with a stop codon.
Molecular consequence: nonsense.
Genome position (GRCh38, 1-based): chr5:132,609,300, T duplicated; the last of 2 consecutive T bases (chr5:132,609,299-132,609,300); duplicating either gives the same sequence. VCF-style (leftmost placement, unchanged base first): chr5-132609298-C-CT. GRCh37 (hg19) VCF-style: chr5-131944990-C-CT.
Other names: c.2940dupT (NM_005732.3); short protein forms N981*.
Identifiers: ClinVar variation 1380550 (VCV001380550.7), dbSNP rs2149849841, ClinGen allele CA2573138995.